The following is an entry in ClinVar:

NM_004260.4(RECQL4):c.3377A>C (p.Glu1126Ala)

Gene: RECQL4 (RecQ like helicase 4; minus strand). Cytogenetic location: 8q24.3.
Variant type: single nucleotide variant.
Coding change: c.3377A>C on transcript NM_004260.4 (MANE Select); coding-DNA position 3377, A replaced by C.
Protein change: p.Glu1126Ala; replaces glutamic acid 1126 with alanine.
Molecular consequence: missense variant.
Genome position (GRCh38, 1-based): chr8:144,511,927, T>G on the plus strand (A>C on the coding strand, the complement: RECQL4 is on the minus strand). VCF-style: chr8-144511927-T-G. GRCh37 (hg19) VCF-style: chr8-145737310-T-G.
Other names: short protein forms E1126A.
Identifiers: ClinVar variation 1513848 (VCV001513848.6), dbSNP rs1030415007, ClinGen allele CA187678980.

ClinVar aggregate classification (germline): Uncertain significance (1 of 4 stars; one submission).

Conditions:
Baller-Gerold syndrome (BGS). Also called: CRANIOSYNOSTOSIS WITH RADIAL DEFECTS. Identifiers: Orphanet 1225, MedGen C0265308, MONDO:0009039, OMIM 218600.

Allele frequency attached by ClinVar (database versions not stated): TOPMed below 0.00001.
gnomAD v4.1: 2 of 1,611,022 alleles (0.00012%); highest among the groups gnomAD compares: African/African-American, 0.0013%; no homozygotes.

Submission:

Labcorp Genetics (formerly Invitae), Labcorp
Classification: Uncertain significance for Baller-Gerold syndrome. Last evaluated: 2023-03-07. Review status: criteria provided, single submitter. Criteria: Invitae Variant Classification Sherloc (09022015). Collection method: clinical testing. Allele origin: germline.
Comment: This sequence change replaces glutamic acid, which is acidic and polar, with alanine, which is neutral and non-polar, at codon 1126 of the RECQL4 protein (p.Glu1126Ala). This variant is not present in population databases (gnomAD no frequency). This variant has not been reported in the literature in individuals affected with RECQL4-related conditions. ClinVar contains an entry for this variant (Variation ID: 1513848). Advanced modeling of protein sequence and biophysical properties (such as structural, functional, and spatial information, amino acid conservation, physicochemical variation, residue mobility, and thermodynamic stability) performed at Invitae indicates that this missense variant is not expected to disrupt RECQL4 protein function. In summary, the available evidence is currently insufficient to determine the role of this variant in disease. Therefore, it has been classified as a Variant of Uncertain Significance.